The following is an entry in ClinVar:

NM_003489.4(NRIP1):c.2459G>A (p.Ser820Asn)

Gene: NRIP1 (nuclear receptor interacting protein 1; minus strand). Cytogenetic location: 21q11.2.
Variant type: single nucleotide variant.
Coding change: c.2459G>A on transcript NM_003489.4 (MANE Select); coding-DNA position 2459, G replaced by A.
Protein change: p.Ser820Asn; replaces serine 820 with asparagine.
Molecular consequence: missense variant.
Genome position (GRCh38, 1-based): chr21:14,965,734, C>T on the plus strand (G>A on the coding strand, the complement: NRIP1 is on the minus strand). VCF-style: chr21-14965734-C-T. GRCh37 (hg19) VCF-style: chr21-16338055-C-T.
Other names: short protein forms S820N.
Identifiers: ClinVar variation 2023579 (VCV002023579.4), dbSNP rs2516251623, ClinGen allele CA409827851.
Genomic context (GRCh38, chr21:14,965,734, plus strand): 5'-CTGTGACTCCTGTCTGAATCATCTGCCAGGTAACTATCTTGATTTTGTCTTAGCAATCGA[C>T]TTAGCAGACCATTCTTGGAGAAAGAAAAATCCTGAGGTGAAACAGGCTCCGATTTAAAGT-3'
Protein context (NP_003480.2, residues 810-830): DFSFSKNGLL[Ser820Asn]RLLRQNQDSY

ClinVar aggregate classification (germline): Uncertain significance (1 of 4 stars; one submission).

Submission:

Labcorp Genetics (formerly Invitae), Labcorp
Classification: Uncertain significance. Last evaluated: 2022-08-11. Review status: criteria provided, single submitter. Criteria: Invitae Variant Classification Sherloc (09022015). Collection method: clinical testing. Allele origin: germline.
Comment: This variant has not been reported in the literature in individuals affected with NRIP1-related conditions. This variant is not present in population databases (gnomAD no frequency). This sequence change replaces serine, which is neutral and polar, with asparagine, which is neutral and polar, at codon 820 of the NRIP1 protein (p.Ser820Asn). In summary, the available evidence is currently insufficient to determine the role of this variant in disease. Therefore, it has been classified as a Variant of Uncertain Significance. Algorithms developed to predict the effect of missense changes on protein structure and function are either unavailable or do not agree on the potential impact of this missense change (SIFT: "Deleterious"; PolyPhen-2: "Probably Damaging"; Align-GVGD: "Class C0").